The following is an entry in ClinVar:

ClinVar aggregate classification (germline): Uncertain significance (1 of 4 stars; one submission).

Submission:

GeneDx
Classification: Uncertain significance. Last evaluated: 2022-12-14. Review status: criteria provided, single submitter. Criteria: GeneDx Variant Classification Process June 2021. Collection method: clinical testing. Allele origin: germline. Affected: yes.
Comment: Frameshift variant predicted to result in protein truncation or nonsense mediated decay in a gene or region of a gene for which loss of function is not a well-established mechanism of disease; Not observed at significant frequency in large population cohorts (gnomAD); Has not been previously published as pathogenic or benign to our knowledge

NM_000701.8(ATP1A1):c.1437_1438del (p.Glu479fs)

Genes: ATP1A1 (ATPase Na+/K+ transporting subunit alpha 1; plus strand), ATP1A1-AS1 (ATP1A1 antisense RNA 1; minus strand). Cytogenetic location: 1p13.1.
Variant type: Microsatellite.
Coding change: c.1437_1438del on transcript NM_000701.8 (MANE Select); coding-DNA positions 1437 to 1438, 2 bases deleted (GA; older notation c.1437_1438delGA).
Protein change: p.Glu479fs; shifts the reading frame from glutamic acid 479.
Molecular consequence: frameshift variant. On other transcripts: non-coding transcript variant (1).
Genome position (GRCh38, 1-based): chr1:116,392,958-116,392,959, GA deleted; deleting any 2 consecutive bases within chr1:116,392,956-116,392,959 gives the same sequence; the c. name uses the placement nearest the transcript's 3' end. VCF-style (leftmost placement, unchanged base first): chr1-116392955-CGA-C. GRCh37 (hg19) VCF-style: chr1-116935577-CGA-C.
Other names: c.1437_1438del, p.Glu479fs (NM_001160233.2); c.1344_1345del, p.Glu448fs (NM_001160234.2); short protein forms E448fs, E479fs.
Identifiers: ClinVar variation 2505759 (VCV002505759.1), dbSNP rs2525850021, ClinGen allele CA2580611477.
Genomic context (GRCh38, chr1:116,392,955, plus strand): 5'-GTGCATAGAGCTGTGCTGTGGTTCCGTGAAGGAGATGAGAGAAAGATACGCCAAAATCGT[CGA>C]GATACCCTTCAACTCCACCAACAAGTACCAGGTCTGAAGATCGATGGGTACACGGAGGGC-3'